The following is an entry in ClinVar:

ClinVar aggregate classification (germline): Uncertain significance (1 of 4 stars; one submission).

Conditions:
Long QT syndrome (LQTS). Identifiers: MedGen C0023976, MeSH D008133, MONDO:0002442. Disease mechanism: loss of function. Inheritance: Various modes of inheritance.

Allele frequency attached by ClinVar (database versions not stated): gnomAD exomes 0.00001; gnomAD 0.00001.
gnomAD v4.1: 11 of 1,613,238 alleles (0.00068%); highest among the groups gnomAD compares: Admixed American, 0.0017%; no homozygotes.

Submission:

Labcorp Genetics (formerly Invitae), Labcorp
Classification: Uncertain significance for Long QT syndrome. Last evaluated: 2025-11-18. Review status: criteria provided, single submitter. Criteria: Invitae Variant Classification Sherloc (09022015). Collection method: clinical testing. Allele origin: germline.
Comment: This sequence change replaces glycine, which is neutral and non-polar, with arginine, which is basic and polar, at codon 225 of the CACNA1C protein (p.Gly225Arg). This variant is present in population databases (no rsID available, gnomAD 0.1%). This variant has not been reported in the literature in individuals affected with CACNA1C-related conditions. ClinVar contains an entry for this variant (Variation ID: 2916869). Invitae Evidence Modeling of protein sequence and biophysical properties (such as structural, functional, and spatial information, amino acid conservation, physicochemical variation, residue mobility, and thermodynamic stability) indicates that this missense variant is expected to disrupt CACNA1C protein function with a positive predictive value of 95%. In summary, the available evidence is currently insufficient to determine the role of this variant in disease. Therefore, it has been classified as a Variant of Uncertain Significance.

NM_000719.7(CACNA1C):c.673G>A (p.Gly225Arg)

Gene: CACNA1C (calcium voltage-gated channel subunit alpha1 C; plus strand). Cytogenetic location: 12p13.33.
Variant type: single nucleotide variant.
Coding change: c.673G>A on transcript NM_000719.7 (MANE Select); coding-DNA position 673, G replaced by A.
Protein change: p.Gly225Arg; replaces glycine 225 with arginine.
Molecular consequence: missense variant.
Genome position (GRCh38, 1-based): chr12:2,457,622, G>A. VCF-style: chr12-2457622-G-A. GRCh37 (hg19) VCF-style: chr12-2566788-G-A.
Other names: c.673G>A, p.Gly225Arg (NM_001129827.2, NM_001129829.2, NM_001129830.3 and 19 more transcripts); short protein forms G225R.
Identifiers: ClinVar variation 2916869 (VCV002916869.3), dbSNP rs1250247511, ClinGen allele CA383367739.